The following is an entry in ClinVar:

ClinVar aggregate classification (germline): Uncertain significance (1 of 4 stars; one submission).

Submission:

Women's Health and Genetics/Laboratory Corporation of America, LabCorp
Classification: Uncertain significance. Last evaluated: 2025-04-30. Review status: criteria provided, single submitter. Criteria: LabCorp Variant Classification Summary - May 2015. Collection method: clinical testing. Allele origin: germline.
Comment: Variant summary: CDH23 c.4785G>T (p.Glu1595Asp) results in a conservative amino acid change in the encoded protein sequence. Two of four in-silico tools predict a benign effect of the variant on protein function. The variant was absent in 240566 control chromosomes. A different variant resulting in the same amino acid effect (c.4785G>C, p.E1595D) has been observed in a setting of multi-gene panel testing in compound heterozygous individuals affected with prelingual profound hearing loss (e.g. Chen_2022). These data indicate that the variant may be associated with disease. To our knowledge, no experimental evidence demonstrating an impact on protein function has been reported. The following publication has been ascertained in the context of this evaluation (PMID: 34752165). No submitters have cited clinical-significance assessments for this variant to ClinVar. Based on the evidence outlined above, the variant was classified as VUS-possibly pathogenic.

Literature cited by the submitters: PubMed 34752165.

NM_022124.6(CDH23):c.4785G>T (p.Glu1595Asp)

Gene: CDH23 (cadherin related 23; plus strand). Cytogenetic location: 10q22.1.
Variant type: single nucleotide variant.
Coding change: c.4785G>T on transcript NM_022124.6 (MANE Select); coding-DNA position 4785, G replaced by T.
Protein change: p.Glu1595Asp; replaces glutamic acid 1595 with aspartic acid.
Molecular consequence: missense variant.
Genome position (GRCh38, 1-based): chr10:71,741,861, G>T. VCF-style: chr10-71741861-G-T. GRCh37 (hg19) VCF-style: chr10-73501618-G-T.
Other names: short protein forms E1595D.
Identifiers: ClinVar variation 3896603 (VCV003896603.2).
Genomic context (GRCh38, chr10:71,741,861, plus strand): 5'-CTTCCGCATGGACCGCATCAGCGGTGAGATCGCCACACGGCCTGCCCCGCCTGACCGCGA[G>T]CGCCAGAGCTTCTACCACCTGGTGGCCACTGTGGAGGACGAGGGCACCCCAACCCTGTCG-3'
Protein context (NP_071407.4, residues 1585-1605): IATRPAPPDR[Glu1595Asp]RQSFYHLVAT